The following is an entry in ClinVar:

ClinVar aggregate classification (germline): Uncertain significance (1 of 4 stars; one submission).

Conditions:
Familial thoracic aortic aneurysm and aortic dissection (TAAD). Also called: Thoracic aortic aneurysms and dissections. Identifiers: Orphanet 91387, MedGen C4707243, MONDO:0019625.

Submission:

Ambry Genetics
Classification: Uncertain significance for Familial thoracic aortic aneurysm and aortic dissection. Last evaluated: 2026-01-08. Review status: criteria provided, single submitter. Criteria: Ambry Variant Classification Scheme 2023. Collection method: clinical testing. Allele origin: germline.
Comment: The c.3691+12G>A intronic alteration consists of a G to A substitution 12 nucleotides after exon 26 (coding exon 26) of the MED12 gene. This variant was not reported in population-based cohorts in the Genome Aggregation Database (gnomAD). This nucleotide position is highly conserved in available vertebrate species. In silico splice site analysis predicts that this alteration will result in the creation or strengthening of a novel splice donor site. Based on insufficient or conflicting evidence, the clinical significance of this alteration remains unclear.

NM_005120.3(MED12):c.3691+12G>A

Gene: MED12 (mediator complex subunit 12; plus strand). Cytogenetic location: Xq13.1.
Variant type: single nucleotide variant.
Coding change: c.3691+12G>A on transcript NM_005120.3 (MANE Select); 12 bases into the intron after coding-DNA position 3691, G replaced by A.
Molecular consequence: intron variant.
Genome position (GRCh38, 1-based): chrX:71,129,441, G>A. VCF-style: chrX-71129441-G-A. GRCh37 (hg19) VCF-style: chrX-70349291-G-A.
Identifiers: ClinVar variation 4833040 (VCV004833040.1).